The following is an entry in ClinVar:

NM_002472.3(MYH8):c.1268T>G (p.Val423Gly)

Genes: MYH8 (myosin heavy chain 8; minus strand), MYHAS (myosin heavy chain gene cluster antisense RNA; plus strand). Cytogenetic location: 17p13.1.
Variant type: single nucleotide variant.
Coding change: c.1268T>G on transcript NM_002472.3 (MANE Select); coding-DNA position 1268, T replaced by G.
Protein change: p.Val423Gly; replaces valine 423 with glycine.
Molecular consequence: missense variant.
Genome position (GRCh38, 1-based): chr17:10,412,518, A>C on the plus strand (T>G on the coding strand, the complement: MYH8 is on the minus strand). VCF-style: chr17-10412518-A-C. GRCh37 (hg19) VCF-style: chr17-10315835-A-C.
Other names: short protein forms V423G.
Identifiers: ClinVar variation 321648 (VCV000321648.12), dbSNP rs747960533, ClinGen allele CA8388103.

ClinVar aggregate classification (germline): Uncertain significance. Review status: criteria provided, multiple submitters, no conflicts (2 of 4 stars). 3 submissions from 3 submitters: Uncertain significance (3). Last evaluated 2025-01-24.

Conditions:
Hecht syndrome (DA7). Also called: MOUTH, INABILITY TO OPEN COMPLETELY, AND SHORT FINGER-FLEXOR TENDONS; Dutch-Kentucky syndrome. Identifiers: Orphanet 3377, MedGen C0265226, MONDO:0008016, OMIM 158300. Disease mechanism: gain of function.

Allele frequency attached by ClinVar (database versions not stated): gnomAD 0.00001; TOPMed 0.00002.
gnomAD v4.1: 24 of 1,614,092 alleles (0.0015%); highest among the groups gnomAD compares: Admixed American, 0.04%; no homozygotes.

Submissions (3):

Ambry Genetics
Classification: Uncertain significance. Last evaluated: 2025-01-24. Review status: criteria provided, single submitter. Criteria: Ambry Variant Classification Scheme 2023. Collection method: clinical testing. Allele origin: germline.

ARUP Laboratories, Molecular Genetics and Genomics, ARUP Laboratories
Classification: Uncertain significance. Last evaluated: 2022-02-24. Review status: criteria provided, single submitter. Criteria: ARUP Molecular Germline Variant Investigation Process 2021. Collection method: clinical testing. Allele origin: germline.
Comment: The MYH8 c.1268T>G; p.Val423Gly variant (rs747960533), to our knowledge, is not reported in the medical literature but is reported in ClinVar (Variation ID: 321648). This variant is found in the Latino population with an allele frequency of 0.058% (20/34,592 alleles) in the Genome Aggregation Database. The valine at codon 423 is highly conserved, and computational analyses predict that this variant is deleterious (REVEL: 0.851). Due to limited information, the clinical significance of the p.Val423Gly variant is uncertain at this time.

Illumina Laboratory Services, Illumina
Classification: Uncertain significance for Hecht syndrome. Last evaluated: 2018-01-13. Review status: criteria provided, single submitter. Criteria: ICSL Variant Classification Criteria 13 December 2019. Collection method: clinical testing. Allele origin: germline.